The following is an entry in ClinVar:

NM_177438.3(DICER1):c.2963T>A (p.Leu988Gln)

Gene: DICER1 (dicer 1, ribonuclease III; minus strand). Cytogenetic location: 14q32.13.
Variant type: single nucleotide variant.
Coding change: c.2963T>A on transcript NM_177438.3 (MANE Select); coding-DNA position 2963, T replaced by A.
Protein change: p.Leu988Gln; replaces leucine 988 with glutamine.
Molecular consequence: missense variant. On other transcripts: non-coding transcript variant (6).
Genome position (GRCh38, 1-based): chr14:95,106,065, A>T on the plus strand (T>A on the coding strand, the complement: DICER1 is on the minus strand). VCF-style: chr14-95106065-A-T. GRCh37 (hg19) VCF-style: chr14-95572402-A-T.
Other names: c.2558T>A, p.Leu853Gln (NM_001395690.1, NM_001395696.1, NM_001395687.1 and 2 more transcripts); c.2396T>A, p.Leu799Gln (NM_001395691.1); c.2963T>A, p.Leu988Gln (NM_001395692.1, NM_001395693.1, NM_001395694.1 and 12 more transcripts); c.1280T>A, p.Leu427Gln (NM_001395697.1); c.2681T>A, p.Leu894Gln (NM_001395686.1); short protein forms L894Q, L853Q, L427Q, L799Q, L988Q.
Identifiers: ClinVar variation 4746798 (VCV004746798.1).
Genomic context (GRCh38, chr14:95,106,065, plus strand): 5'-AAGTGCAATCCAAGTGTCATCTCTGAAGCCCCTTACCTTGAAGATGTGTGGTCCACATCC[A>T]GCAGTGGCTGGTTGAGATTGGTTAGGTCAAGGTTGTACTTTGTTTTATAATATTCTGCAA-3'
Protein context (NP_803187.1, residues 978-998): LDLTNLNQPL[Leu988Gln]DVDHTSSRLN

ClinVar aggregate classification (germline): Uncertain significance (1 of 4 stars; one submission).

Conditions:
DICER1-related tumor predisposition. Also called: DICER1-related pleuropulmonary blastoma cancer predisposition syndrome; DICER1 syndrome. Identifiers: Orphanet 284343, MedGen C3839822, MONDO:0100216.

Submission:

Labcorp Genetics (formerly Invitae), Labcorp
Classification: Uncertain significance for DICER1-related tumor predisposition. Last evaluated: 2025-11-05. Review status: criteria provided, single submitter. Criteria: Invitae Variant Classification Sherloc (09022015). Collection method: clinical testing. Allele origin: germline.
Comment: This sequence change replaces leucine, which is neutral and non-polar, with glutamine, which is neutral and polar, at codon 988 of the DICER1 protein (p.Leu988Gln). This variant is not present in population databases (gnomAD no frequency). This variant has not been reported in the literature in individuals affected with DICER1-related conditions. Invitae Evidence Modeling of protein sequence and biophysical properties (such as structural, functional, and spatial information, amino acid conservation, physicochemical variation, residue mobility, and thermodynamic stability) has been performed for this missense variant. However, the output from this modeling did not meet the statistical confidence thresholds required to predict the impact of this variant on DICER1 protein function. In summary, the available evidence is currently insufficient to determine the role of this variant in disease. Therefore, it has been classified as a Variant of Uncertain Significance.